The following is an entry in ClinVar:

NM_032188.3(KAT8):c.66_82del (p.Pro23fs)

Gene: KAT8 (lysine acetyltransferase 8; plus strand). Cytogenetic location: 16p11.2.
Variant type: Deletion.
Coding change: c.66_82del on transcript NM_032188.3 (MANE Select); coding-DNA positions 66 to 82, 17 bases deleted (GCCCGGGCCCGGGGAGA).
Protein change: p.Pro23fs; shifts the reading frame from proline 23.
Molecular consequence: frameshift variant.
Genome position (GRCh38, 1-based): chr16:31,117,747-31,117,763, GCCCGGGCCCGGGGAGA deleted; deleting any 17 consecutive bases within chr16:31,117,745-31,117,763 gives the same sequence; the c. name uses the placement nearest the transcript's 3' end. VCF-style (leftmost placement, unchanged base first): chr16-31117744-CGAGCCCGGGCCCGGGGA-C. GRCh37 (hg19) VCF-style: chr16-31129065-CGAGCCCGGGCCCGGGGA-C.
Other names: c.66_82del, p.Pro23fs (NM_182958.4); short protein forms P23fs.
Identifiers: ClinVar variation 2662045 (VCV002662045.1), dbSNP rs2544159046, ClinGen allele CA2695197636.
Genomic context (GRCh38, chr16:31,117,744, plus strand): 5'-GGCGGCACAGGGAGCTGCTGCGGCGGTTGCGGCGGGGACTTCAGGGGTCGCGGGGGAGGG[CGAGCCCGGGCCCGGGGA>C]GAATGCGGCCGCTGAGGGGACCGCCCCATCCCCGGGCCGCGTCTCTCCGCCGACCCCGGC-3'

ClinVar aggregate classification (germline): Uncertain significance (1 of 4 stars; one submission).

Submission:

GeneDx
Classification: Uncertain significance. Last evaluated: 2023-04-27. Review status: criteria provided, single submitter. Criteria: GeneDx Variant Classification Process June 2021. Collection method: clinical testing. Allele origin: germline. Affected: yes.
Comment: Not observed at significant frequency in large population cohorts (gnomAD); Frameshift variant predicted to result in protein truncation or nonsense mediated decay in a gene or region of a gene for which loss of function is not a well-established mechanism of disease; Has not been previously published as pathogenic or benign to our knowledge